The following is an entry in ClinVar:

NM_002755.4(MAP2K1):c.212T>G (p.Ile71Ser)

Gene: MAP2K1 (mitogen-activated protein kinase kinase 1; plus strand). Cytogenetic location: 15q22.31.
Variant type: single nucleotide variant.
Coding change: c.212T>G on transcript NM_002755.4 (MANE Select); coding-DNA position 212, T replaced by G.
Protein change: p.Ile71Ser; replaces isoleucine 71 with serine.
Molecular consequence: missense variant.
Genome position (GRCh38, 1-based): chr15:66,435,158, T>G. VCF-style: chr15-66435158-T-G. GRCh37 (hg19) VCF-style: chr15-66727496-T-G.
Other names: short protein forms I71S.
Identifiers: ClinVar variation 1395763 (VCV001395763.6), dbSNP rs2140579455, ClinGen allele CA392929353.

ClinVar aggregate classification (germline): Uncertain significance (1 of 4 stars; one submission).

Conditions:
RASopathy. Also called: Noonan spectrum disorder; rasopathies. Identifiers: Orphanet 536391, MedGen C5555857, MONDO:0021060.

Submission:

Labcorp Genetics (formerly Invitae), Labcorp
Classification: Uncertain significance for RASopathy. Last evaluated: 2022-03-18. Review status: criteria provided, single submitter. Criteria: Invitae Variant Classification Sherloc (09022015). Collection method: clinical testing. Allele origin: germline.
Comment: This sequence change replaces isoleucine, which is neutral and non-polar, with serine, which is neutral and polar, at codon 71 of the MAP2K1 protein (p.Ile71Ser). This variant is not present in population databases (gnomAD no frequency). This variant has not been reported in the literature in individuals affected with MAP2K1-related conditions. Algorithms developed to predict the effect of missense changes on protein structure and function (SIFT, PolyPhen-2, Align-GVGD) all suggest that this variant is likely to be tolerated. In summary, the available evidence is currently insufficient to determine the role of this variant in disease. Therefore, it has been classified as a Variant of Uncertain Significance.